The following is an entry in ClinVar:

ClinVar aggregate classification (germline): Conflicting classifications of pathogenicity. Review status: criteria provided, conflicting classifications (1 of 4 stars). 2 submissions from 2 submitters: Uncertain significance (1); Likely benign (1). Last evaluated 2025-09-02.

Conditions:
Ciliary dyskinesia, primary, 37 (CILD37). Also called: CILIARY DYSKINESIA, PRIMARY, 37, WITH OR WITHOUT SITUS INVERSUS. Identifiers: MedGen C4539798, MONDO:0033204, OMIM 617577.
Spermatogenic failure 18. Identifiers: MedGen C4539783, MONDO:0054615, OMIM 617576.

Allele frequency attached by ClinVar (database versions not stated): gnomAD exomes 0.00004; TOPMed 0.00004; gnomAD 0.00005; ExAC 0.00001.
gnomAD v4.1: 65 of 1,613,898 alleles (0.004%); highest among the groups gnomAD compares: Non-Finnish European, 0.0054%; no homozygotes.

Submissions (2):

Labcorp Genetics (formerly Invitae), Labcorp
Classification: Likely benign for Ciliary dyskinesia, primary, 37; Spermatogenic failure 18. Last evaluated: 2025-09-02. Review status: criteria provided, single submitter. Criteria: Invitae Variant Classification Sherloc (09022015). Collection method: clinical testing. Allele origin: germline.

Greenwood Genetic Center Diagnostic Laboratories, Greenwood Genetic Center
Classification: Uncertain significance. Last evaluated: 2024-10-04. Review status: criteria provided, single submitter. Criteria: ACMG Guidelines, 2015. Collection method: clinical testing. Allele origin: germline. Affected: yes.
Comment: PM2, PM3, BP4

NM_015512.5(DNAH1):c.3603C>T (p.Ile1201=)

Gene: DNAH1 (dynein axonemal heavy chain 1; plus strand). Cytogenetic location: 3p21.1.
Variant type: single nucleotide variant.
Coding change: c.3603C>T on transcript NM_015512.5 (MANE Select); coding-DNA position 3603, C replaced by T.
Protein change: p.Ile1201=; no amino-acid change (isoleucine 1201 retained).
Molecular consequence: synonymous variant.
Genome position (GRCh38, 1-based): chr3:52,354,965, C>T. VCF-style: chr3-52354965-C-T. GRCh37 (hg19) VCF-style: chr3-52388981-C-T.
Identifiers: ClinVar variation 2929612 (VCV002929612.4), dbSNP rs758643444, ClinGen allele CA2433627.
Genomic context (GRCh38, chr3:52,354,965, plus strand): 5'-GACAGACACCTACATCCTGAAGAGCCCGGACGAGGCCTCACAGCTGCTGGACGACCACAT[C>T]GTCATGACCCAGAATATGTCATTTTCACCCTACAAGAAGCCCTTTGAGCAGCGCATCAAC-3'
Protein context (NP_056327.4, residues 1191-1211): DEASQLLDDH[Ile1201=]VMTQNMSFSP